The following is an entry in ClinVar:

ClinVar aggregate classification (germline): Uncertain significance. Review status: criteria provided, multiple submitters, no conflicts (2 of 4 stars). 3 submissions from 3 submitters: Uncertain significance (3). Last evaluated 2025-07-28.

Conditions:
Hereditary cancer-predisposing syndrome. Also called: Tumor predisposition; Neoplastic Syndromes, Hereditary; Hereditary neoplastic syndrome; Hereditary Cancer Syndrome. Identifiers: Orphanet 140162, MedGen C0027672, MeSH D009386, MONDO:0015356.

Submissions (3):

Color Diagnostics, LLC DBA Color Health
Classification: Uncertain significance for Hereditary cancer-predisposing syndrome. Last evaluated: 2025-07-28. Review status: criteria provided, single submitter. Criteria: ACMG Guidelines, 2015. Collection method: clinical testing. Allele origin: germline.
Comment: This missense variant replaces threonine with arginine at codon 626 of the APC protein. Computational prediction is inconclusive regarding the impact of this variant on protein structure and function. To our knowledge, functional studies have not been reported for this variant. This variant has not been reported in individuals affected with APC-related disorders in the literature. This variant has not been identified in the general population by the Genome Aggregation Database (gnomAD). The available evidence is insufficient to determine the role of this variant in disease conclusively. Therefore, this variant is classified as a Variant of Uncertain Significance.

Ambry Genetics
Classification: Uncertain significance for Hereditary cancer-predisposing syndrome. Last evaluated: 2024-11-28. Review status: criteria provided, single submitter. Criteria: Ambry Variant Classification Scheme 2023. Collection method: clinical testing. Allele origin: germline.
Comment: The p.T626R variant (also known as c.1877C>G), located in coding exon 14 of the APC gene, results from a C to G substitution at nucleotide position 1877. The threonine at codon 626 is replaced by arginine, an amino acid with similar properties. This amino acid position is conserved. In addition, in silico predictors for this gene do not accurately predict pathogenicity. Based on the available evidence, the clinical significance of this variant remains unclear.

GeneDx
Classification: Uncertain significance. Last evaluated: 2024-04-05. Review status: criteria provided, single submitter. Criteria: GeneDx Variant Classification Process June 2021. Collection method: clinical testing. Allele origin: germline. Affected: yes.
Comment: Not observed at significant frequency in large population cohorts (gnomAD); In silico analysis supports that this missense variant has a deleterious effect on protein structure/function; Has not been previously published as pathogenic or benign to our knowledge; This variant is associated with the following publications: (PMID: 18199528)

NM_000038.6(APC):c.1877C>G (p.Thr626Arg)

Gene: APC (APC regulator of Wnt signaling pathway; plus strand). Cytogenetic location: 5q22.2.
Variant type: single nucleotide variant.
Coding change: c.1877C>G on transcript NM_000038.6 (MANE Select); coding-DNA position 1877, C replaced by G.
Protein change: p.Thr626Arg; replaces threonine 626 with arginine.
Molecular consequence: missense variant. On other transcripts: non-coding transcript variant (2).
Genome position (GRCh38, 1-based): chr5:112,835,084, C>G. VCF-style: chr5-112835084-C-G. GRCh37 (hg19) VCF-style: chr5-112170781-C-G.
Other names: c.1877C>G, p.Thr626Arg (NM_001127510.3, NM_001354895.2, NM_001407450.1); c.1823C>G, p.Thr608Arg (NM_001127511.3); c.1931C>G, p.Thr644Arg (NM_001354896.2, NM_001407447.1, NM_001407448.1 and 1 more transcripts); c.1907C>G, p.Thr636Arg (NM_001354897.2); c.1802C>G, p.Thr601Arg (NM_001354898.2); c.1793C>G, p.Thr598Arg (NM_001354899.2); c.1754C>G, p.Thr585Arg (NM_001354900.2); c.1700C>G, p.Thr567Arg (NM_001354901.2, NM_001407453.1); and 11 more; short protein forms T242R, T343R, T466R, T497R, T500R, T525R, T535R, T543R.
Identifiers: ClinVar variation 3372209 (VCV003372209.3).
Genomic context (GRCh38, chr5:112,835,084, plus strand): 5'-TATGTGCTGTAGATGGTGCACTTGCATTTTTGGTTGGCACTCTTACTTACCGGAGCCAGA[C>G]AAACACTTTAGCCATTATTGAAAGTGGAGGTGGGATATTACGGAATGTGTCCAGCTTGAT-3'
Protein context (NP_000029.2, residues 616-636): LVGTLTYRSQ[Thr626Arg]NTLAIIESGG